The following is an entry in ClinVar:

ClinVar aggregate classification (germline): Likely benign. Review status: criteria provided, multiple submitters, no conflicts (2 of 4 stars). 3 submissions from 3 submitters: Likely benign (2). 1 of the submissions does not count toward it. Last evaluated 2025-03-17.

Conditions:
FZD4-related disorder. Also called: FZD4-related condition.

Allele frequency attached by ClinVar (database versions not stated): ExAC 0.00001; gnomAD 0.00001; gnomAD exomes 0.00001 and 0.00004; TOPMed 0.00003.
gnomAD v4.1: 58 of 1,614,024 alleles (0.0036%); highest among the groups gnomAD compares: Non-Finnish European, 0.0047%; no homozygotes.

Submissions (3):

Labcorp Genetics (formerly Invitae), Labcorp
Classification: Likely benign. Last evaluated: 2025-03-17. Review status: criteria provided, single submitter. Criteria: Invitae Variant Classification Sherloc (09022015). Collection method: clinical testing. Allele origin: germline.

Blueprint Genetics
Classification: Likely benign. Last evaluated: 2021-09-21. Review status: criteria provided, single submitter. Criteria: ACMG Guidelines, 2015. Collection method: clinical testing. Allele origin: germline.

PreventionGenetics, part of Exact Sciences
Classification: Likely benign for FZD4-related condition. Last evaluated: 2022-01-25. Review status: no assertion criteria provided. Collection method: clinical testing. Allele origin: germline. Not counted in ClinVar's aggregate classification.
Comment: This variant is classified as likely benign based on ACMG/AMP sequence variant interpretation guidelines (Richards et al. 2015 PMID: 25741868, with internal and published modifications).

NM_012193.4(FZD4):c.1590A>G (p.Gly530=)

Genes: FZD4 (frizzled class receptor 4; minus strand), PRSS23 (serine protease 23; plus strand). Cytogenetic location: 11q14.2.
Variant type: single nucleotide variant.
Coding change: c.1590A>G on transcript NM_012193.4 (MANE Select); coding-DNA position 1590, A replaced by G.
Protein change: p.Gly530=; no amino-acid change (glycine 530 retained).
Molecular consequence: synonymous variant.
Genome position (GRCh38, 1-based): chr11:86,951,166, T>C on the plus strand (A>G on the coding strand, the complement: FZD4 is on the minus strand). VCF-style: chr11-86951166-T-C. GRCh37 (hg19) VCF-style: chr11-86662208-T-C.
Other names: c.1590A>G (NM_012193.3).
Identifiers: ClinVar variation 1085253 (VCV001085253.12), dbSNP rs770841790, ClinGen allele CA6218287.